The following is an entry in ClinVar:

NM_000090.4(COL3A1):c.3824-14T>A

Gene: COL3A1 (collagen type III alpha 1 chain; plus strand). Cytogenetic location: 2q32.2.
Variant type: single nucleotide variant.
Coding change: c.3824-14T>A on transcript NM_000090.4 (MANE Select); 14 bases into the intron before coding-DNA position 3824, T replaced by A.
Molecular consequence: intron variant.
Genome position (GRCh38, 1-based): chr2:189,010,164, T>A. VCF-style: chr2-189010164-T-A. GRCh37 (hg19) VCF-style: chr2-189874890-T-A.
Identifiers: ClinVar variation 510787 (VCV000510787.1), dbSNP rs762561768, ClinGen allele CA658796126.
Genomic context (GRCh38, chr2:189,010,164, plus strand): 5'-TACAGGTAAACAAACAAAATCACTTTATTACTGGATTTTATAACCAATTCCCATTCTTTT[T>A]TGTGACTATTCAGGAGAATACTGGGTTGACCCTAACCAAGGATGCAAATTGGATGCTATC-3'

ClinVar aggregate classification (germline): Likely benign (1 of 4 stars; one submission).

Submission:

GeneDx
Classification: Likely benign. Last evaluated: 2017-07-12. Review status: criteria provided, single submitter. Criteria: GeneDx Variant Classification (06012015). Collection method: clinical testing. Allele origin: germline. Affected: yes.
Comment: This variant is considered likely benign or benign based on one or more of the following criteria: it is a conservative change, it occurs at a poorly conserved position in the protein, it is predicted to be benign by multiple in silico algorithms, and/or has population frequency not consistent with disease.